The following is an entry in ClinVar:

ClinVar aggregate classification (germline): Uncertain significance. Review status: criteria provided, multiple submitters, no conflicts (2 of 4 stars). 3 submissions from 3 submitters: Uncertain significance (3). Last evaluated 2026-02-13.

Conditions:
Periventricular nodular heterotopia 7 (PVNH7). Identifiers: MedGen C4310669, MONDO:0014966, OMIM 617201.

Submissions (3):

OLLIN Analises Genomicas, OLLIN
Classification: Uncertain significance for Periventricular nodular heterotopia 7. Last evaluated: 2026-02-13. Review status: criteria provided, single submitter. Criteria: ACMG Guidelines 2015 PMID 25741868. Collection method: clinical testing. Allele origin: germline. Observed: 1 variant allele.
Comment: PM2_P, PP3

Blueprint Genetics
Classification: Uncertain significance. Last evaluated: 2023-04-14. Review status: criteria provided, single submitter. Criteria: ACMG Guidelines, 2015. Collection method: clinical testing. Allele origin: germline.

MVZ Medizinische Genetik Mainz
Classification: Uncertain significance for Periventricular nodular heterotopia 7. Last evaluated: 2022-08-25. Review status: criteria provided, single submitter. Criteria: UK Practice Guidelines For Variant Classification V4 01 2020. Collection method: clinical testing. Allele origin: germline. Inheritance: Autosomal dominant inheritance. Affected: yes. Observed: 1 variant allele.
Comment: ACMG Criteria: PM1,PM2_SUP,PP2,PP3

NM_001144967.3(NEDD4L):c.2717C>T (p.Ser906Leu)

Gene: NEDD4L (NEDD4 like E3 ubiquitin protein ligase; plus strand). Cytogenetic location: 18q21.31.
Variant type: single nucleotide variant.
Coding change: c.2717C>T on transcript NM_001144967.3 (MANE Select); coding-DNA position 2717, C replaced by T.
Protein change: p.Ser906Leu; replaces serine 906 with leucine.
Molecular consequence: missense variant.
Genome position (GRCh38, 1-based): chr18:58,390,707, C>T. VCF-style: chr18-58390707-C-T. GRCh37 (hg19) VCF-style: chr18-56057939-C-T.
Other names: c.2354C>T, p.Ser785Leu (NM_001144964.1, NM_001144965.2, NM_001144966.3); c.2693C>T, p.Ser898Leu (NM_001144968.2); c.2633C>T, p.Ser878Leu (NM_001144969.2); c.2294C>T, p.Ser765Leu (NM_001144970.3, NM_001144971.2); c.2525C>T, p.Ser842Leu (NM_001243960.2); c.2657C>T, p.Ser886Leu (NM_015277.6); short protein forms S765L, S785L, S842L, S878L, S886L, S898L, S906L.
Identifiers: ClinVar variation 3235200 (VCV003235200.3), dbSNP rs2518518303.